The following is an entry in ClinVar:

NM_015164.4(PLEKHM2):c.2806-2A>G

Gene: PLEKHM2 (pleckstrin homology and RUN domain containing M2; plus strand). Cytogenetic location: 1p36.21.
Variant type: single nucleotide variant.
Coding change: c.2806-2A>G on transcript NM_015164.4 (MANE Select); the canonical splice acceptor site of the intron before coding-DNA position 2806, A replaced by G.
Molecular consequence: splice acceptor variant.
Genome position (GRCh38, 1-based): chr1:15,732,610, A>G. VCF-style: chr1-15732610-A-G. GRCh37 (hg19) VCF-style: chr1-16059105-A-G.
Other names: c.2746-2A>G (NM_001410755.1).
Identifiers: ClinVar variation 1061321 (VCV001061321.7), dbSNP rs1447936371, ClinGen allele CA338575301.

ClinVar aggregate classification (germline): Uncertain significance (1 of 4 stars; one submission).

Allele frequency attached by ClinVar (database versions not stated): gnomAD exomes below 0.00001 and 0.00001; gnomAD 0.00001; TOPMed 0.00001.
gnomAD v4.1: 8 of 1,599,320 alleles (0.0005%); highest among the groups gnomAD compares: Non-Finnish European, 0.00068%; no homozygotes.

Submission:

Labcorp Genetics (formerly Invitae), Labcorp
Classification: Uncertain significance. Last evaluated: 2025-05-14. Review status: criteria provided, single submitter. Criteria: Invitae Variant Classification Sherloc (09022015). Collection method: clinical testing. Allele origin: germline.
Comment: This sequence change affects an acceptor splice site in intron 18 of the PLEKHM2 gene. It is expected to disrupt RNA splicing. Variants that disrupt the donor or acceptor splice site typically lead to a loss of protein function (PMID: 16199547), however the current clinical and genetic evidence is not sufficient to establish whether loss-of-function variants in PLEKHM2 cause disease. This variant is present in population databases (no rsID available, gnomAD 0.002%). This variant has not been reported in the literature in individuals affected with PLEKHM2-related conditions. ClinVar contains an entry for this variant (Variation ID: 1061321). Algorithms developed to predict the effect of sequence changes on RNA splicing suggest that this variant may disrupt the consensus splice site. In summary, the available evidence is currently insufficient to determine the role of this variant in disease. Therefore, it has been classified as a Variant of Uncertain Significance.

Literature cited by the submitters: PubMed 16199547.